The following is an entry in ClinVar:

NM_000169.3(GLA):c.376A>G (p.Ser126Gly)

Genes: GLA (galactosidase alpha; minus strand), RPL36A-HNRNPH2 (RPL36A-HNRNPH2 readthrough; plus strand). Cytogenetic location: Xq22.1.
Variant type: single nucleotide variant.
Coding change: c.376A>G on transcript NM_000169.3 (MANE Select); coding-DNA position 376, A replaced by G.
Protein change: p.Ser126Gly; replaces serine 126 with glycine.
Molecular consequence: missense variant. On other transcripts: non-coding transcript variant (3), intron variant (2).
Genome position (GRCh38, 1-based): chrX:101,401,803, T>C on the plus strand (A>G on the coding strand, the complement: GLA is on the minus strand). VCF-style: chrX-101401803-T-C. GRCh37 (hg19) VCF-style: chrX-100656791-T-C.
Other names: p.S126G:AGC>GGC; c.376A>G (NM_000169.2); c.499A>G, p.Ser167Gly (NM_001406747.1, NM_001406749.1); c.376A>G, p.Ser126Gly (NM_001406748.1); c.300+6346T>C (NM_001199973.2); c.177+9981T>C (NM_001199974.2); short protein forms S126G, S167G.
Identifiers: ClinVar variation 163547 (VCV000163547.89), dbSNP rs149391489, ClinGen allele CA021691.

ClinVar aggregate classification (germline): Conflicting classifications of pathogenicity. Review status: criteria provided, conflicting classifications (1 of 4 stars). 22 submissions from 22 submitters: Uncertain significance (3); Benign (3); Likely benign (13). 3 of the submissions do not count toward it. Last evaluated 2026-09-08.

Conditions:
Cardiovascular phenotype. Identifiers: MedGen CN230736.
Cardiomyopathy (CMYO). Also called: Cardiomyopathies. Identifiers: Orphanet 167848, MedGen C0878544, MONDO:0004994, HP:0001638. Inheritance: Various modes of inheritance.
Fabry disease. Also called: Fabry's disease; ALPHA-GALACTOSIDASE A DEFICIENCY; ANDERSON-FABRY DISEASE; CERAMIDE TRIHEXOSIDASE DEFICIENCY; Angiokeratoma corporis diffusum; Ceramide trihexosidosis. Identifiers: Orphanet 324, MedGen C0002986, MONDO:0010526, OMIM 301500, HP:0001071. Disease mechanism: Fabry disease is due to inactivating mutations in the X-linked GLA gene resulting in deficiency of the enzyme Alpha Galactosidase-A., loss of function.

Allele frequency attached by ClinVar (database versions not stated): TOPMed 0.00031; gnomAD exomes 0.00033 and 0.00057; gnomAD 0.00041 and 0.00043; ExAC 0.00043; ESP Exome Variant Server 0.00057.
gnomAD v4.1: 664 of 1,207,539 alleles (0.055%); highest among the groups gnomAD compares: Non-Finnish European, 0.07%; no homozygotes.

Submissions 1 to 16 of 22:

Genomenon, Inc
Classification: Likely benign for Fabry disease. Last evaluated: 2026-09-08. Review status: criteria provided, single submitter. Criteria: Genomenon Sequence Variant Interpretation Standards - Updated. Collection method: curation. Allele origin: germline. Affected: yes.
Comment: GLA p.Ser126Gly (c.376A>G) is a missense variant that changes the amino acid at codon 126 from Serine to Glycine. This variant has been observed in at least one proband with clinical features consistent with Fabry disease (PMID:30996283;39343861;24626231;33258999;32198894;27676143;38395389;36709535;11531969;38028489;22049975). Functional or patient cell studies have been reported (PMID:32023956;35212486;37774431;28646478;31036492;23935525;38618884;26866599;34199132;27657681). This variant was observed in several healthy hemizygous individuals in gnomAD. In silico models predict that this variant is possibly or probably damaging. In conclusion, we classify GLA p.Ser126Gly (c.376A>G) as a likely benign variant.

Labcorp Genetics (formerly Invitae), Labcorp
Classification: Likely benign for Fabry disease. Last evaluated: 2026-01-28. Review status: criteria provided, single submitter. Criteria: Invitae Variant Classification Sherloc (09022015). Collection method: clinical testing. Allele origin: germline.

Molecular Diagnostic Laboratory for Inherited Cardiovascular Disease, Montreal Heart Institute
Classification: Uncertain significance for Cardiovascular phenotype. Last evaluated: 2025-04-09. Review status: criteria provided, single submitter. Criteria: ACMG Guidelines, 2015. Collection method: clinical testing. Allele origin: germline. Affected: yes.

Mayo Clinic Laboratories, Mayo Clinic
Classification: Benign. Last evaluated: 2025-02-05. Review status: criteria provided, single submitter. Criteria: ACMG Guidelines, 2015. Collection method: clinical testing. Allele origin: germline. Observed: 4 variant alleles.
Comment: BS1, BS2, BS3_moderate, PP3

Blueprint Genetics
Classification: Likely benign. Last evaluated: 2024-11-26. Review status: criteria provided, single submitter. Criteria: ACMG Guidelines, 2015. Collection method: clinical testing. Allele origin: germline.

Women's Health and Genetics/Laboratory Corporation of America, LabCorp
Classification: Likely benign. Last evaluated: 2024-11-19. Review status: criteria provided, single submitter. Criteria: LabCorp Variant Classification Summary - May 2015. Collection method: clinical testing. Allele origin: germline.
Comment: Variant summary: GLA c.376A>G (p.Ser126Gly) results in a non-conservative amino acid change located in the Aldolase class I domain of the encoded protein sequence. Three of five in-silico tools predict a damaging effect of the variant on protein function. The variant allele was found at a frequency of 0.00055 in 1207539 control chromosomes, including 221 hemizygotes. c.376A>G has been identified in the literature without strong evidence for pathogenicity (e.g. Branton_2002, Colon_2017, Reisin_2018). At least one family study showed lack of co-segregation of the variant with the disease (DeBrabander_2013, Reisin_2018). In addition, a functional study found that GLA enzyme activity was reduced by ~50% in vitro, but also found that the lyso-Gb3 biomarker that is typically increased in Fabry patients was at normal levels in patient samples with the variant (Lukas_2013). Another in vitro enzyme activity study showed that the variant retained 83% of WT activity levels (Benjamin_2016). A recent study however, showed no significant reduction in enzymatic activity (Oommen_2019). The following publications have been ascertained in the context of this evaluation (PMID: 27657681, 11889412, 20360539, 28646478, 23219219, 23935525, 31036492, 24582695, 29132836, 25382311, 30739116, 28340804, 26866599). ClinVar contains an entry for this variant (Variation ID: 163547). Based on the evidence outlined above, the variant was classified as likely benign.

CeGaT Center for Human Genetics Tuebingen
Classification: Likely benign. Last evaluated: 2024-01-01. Review status: criteria provided, single submitter. Criteria: CeGaT Center For Human Genetics Tuebingen Variant Classification Criteria Version 2. Collection method: clinical testing. Allele origin: germline. Affected: yes. Observed: 4 variant alleles.
Comment: GLA: BS2

CHEO Genetics Diagnostic Laboratory, Children's Hospital of Eastern Ontario
Classification: Likely benign for Cardiomyopathy. Last evaluated: 2023-02-17. Review status: criteria provided, single submitter. Criteria: ACMG Guidelines, 2015. Collection method: clinical testing. Allele origin: germline.

Genome-Nilou Lab
Classification: Likely benign for Fabry disease. Last evaluated: 2021-07-15. Review status: criteria provided, single submitter. Criteria: ACMG Guidelines, 2015. Collection method: clinical testing. Allele origin: germline. Affected: no.

Victorian Clinical Genetics Services, Murdoch Childrens Research Institute
Classification: Likely benign for Fabry disease. Last evaluated: 2021-05-06. Review status: criteria provided, single submitter. Criteria: ACMG Guidelines, 2015. Collection method: clinical testing. Allele origin: germline. Inheritance: X-linked inheritance.
Comment: Based on the classification scheme VCGS_Germline_v1.3.4, this variant is classified as likely benign. Following criteria are met: 0308 - Population frequency for this variant is out of keeping with known incidence of Fabry disease (MIM#301500) (gnomAD v2.1.1 - 25 hemizygotes) (SB) 0805 - This variant has strong previous evidence of being benign in unrelated individuals. This variant has previously been reported as benign, likely benign and as a variant of uncertain significance (ClinVar). While this variant has also been reported in patients, population frequency supports this variant being benign (PMIDs:29132836; 31860127; 23935525; 33036343; 20360539). (SB) Legend: (SP) - Supporting pathogenic, (I) - Information, (SB) - Supporting benign

GeneDx
Classification: Likely benign. Last evaluated: 2020-09-11. Review status: criteria provided, single submitter. Criteria: GeneDx Variant Classification Process June 2021. Collection method: clinical testing. Allele origin: germline. Affected: yes.
Comment: This variant is associated with the following publications: (PMID: 11889412, 29132836, 23935525, 24582695, 23219219, 26520229, 26652600, 20360539, 23306324, 23307880, 22905681, 25596309, 25382311, 28646478, 28283366, 28340804, 26990548, 29487688, 27657681, 31860127, 30477121)

Broad Center for Mendelian Genomics, Broad Institute of MIT and Harvard
Classification: Uncertain significance for Fabry disease. Last evaluated: 2020-01-22. Review status: criteria provided, single submitter. Criteria: ACMG Guidelines, 2015. Collection method: curation. Allele origin: germline. Inheritance: X-linked inheritance.
Comment: The p.Ser126Gly variant in GLA has been reported in 3 individuals with Fabry disease, segregated with disease in these 3 affected relatives from one family (PMID: 22905681), and has also been identified in 0.074% (69/92714) of European (non-Finnish) chromosomes, including 24 hemizygotes, by the Genome Aggregation Database (gnomAD; dbSNP rs149391489). This variant has also been reported in ClinVar as likely benign by the Laboratory for Molecular Medicine (Partners Healthcare), GeneDx, and Ambry Genetics and as a VUS by Division of Genomic Diagnostics (The Children's Hospital of Philadelphia) and Invitae (Variation ID: 163547). In vitro functional studies provide some evidence that the p.Ser126Gly variant may not impact protein function (PMID: 23935525, 11889412, 28646478). However, these types of assays may not accurately represent biological function. Computational prediction tools and conservation analyses do not provide strong support for or against an impact to the protein. In summary, while the clinical significance of the p.Ser126Gly variant is uncertain, these data suggest that it is more likely to be benign. ACMG/AMP Criteria applied: BS1_supporting, BS3_supporting, PP1 (Richards 2015).

X-linked inheritance (primarily recessive with milder female expression)

Color Diagnostics, LLC DBA Color Health
Classification: Likely benign for Fabry disease. Last evaluated: 2019-11-12. Review status: criteria provided, single submitter. Criteria: ACMG Guidelines, 2015. Collection method: clinical testing. Allele origin: germline.

Mendelics
Classification: Benign for Fabry disease. Last evaluated: 2019-05-28. Review status: criteria provided, single submitter. Criteria: Mendelics Assertion Criteria 2017. Collection method: clinical testing. Allele origin: unknown.

Ambry Genetics
Classification: Likely benign for Cardiovascular phenotype. Last evaluated: 2018-11-08. Review status: criteria provided, single submitter. Criteria: Ambry Variant Classification Scheme 2023. Collection method: clinical testing. Allele origin: germline.

Eurofins Ntd Llc (ga)
Classification: Likely benign. Last evaluated: 2018-05-29. Review status: criteria provided, single submitter. Criteria: EGL ClinVar v180209 classification definitions. Collection method: clinical testing. Allele origin: germline. Observed: 1 variant allele, 1 heterozygote.